The following is an entry in ClinVar:

ClinVar aggregate classification (germline): Conflicting classifications of pathogenicity. Review status: criteria provided, conflicting classifications (1 of 4 stars). 3 submissions from 3 submitters: Uncertain significance (2); Benign (1). Last evaluated 2024-10-30.

Conditions:
Congenital myasthenic syndrome 18. Also called: MYASTHENIC SYNDROME, CONGENITAL, 18, WITH INTELLECTUAL DISABILITY AND ATAXIA. Identifiers: Orphanet 590, MedGen C4225364, MONDO:0014590, OMIM 616330.
SNAP25-related disorder.

Allele frequency attached by ClinVar (database versions not stated): ExAC 0.00002; gnomAD 0.00002; gnomAD exomes 0.00002; TOPMed 0.00002.
gnomAD v4.1: 20 of 1,614,066 alleles (0.0012%); highest among the groups gnomAD compares: Admixed American, 0.0017%; no homozygotes.

Submissions (3):

Labcorp Genetics (formerly Invitae), Labcorp
Classification: Benign for Congenital myasthenic syndrome 18. Last evaluated: 2024-10-30. Review status: criteria provided, single submitter. Criteria: Invitae Variant Classification Sherloc (09022015). Collection method: clinical testing. Allele origin: germline.

GeneDx
Classification: Uncertain significance. Last evaluated: 2023-05-30. Review status: criteria provided, single submitter. Criteria: GeneDx Variant Classification Process June 2021. Collection method: clinical testing. Allele origin: germline. Affected: yes.
Comment: In silico analysis supports that this missense variant has a deleterious effect on protein structure/function; Has not been previously published as pathogenic or benign to our knowledge

PreventionGenetics, part of Exact Sciences
Classification: Uncertain significance for SNAP25-related condition. Last evaluated: 2023-03-30. Review status: criteria provided, single submitter. Criteria: ACMG Guidelines, 2015. Collection method: clinical testing. Allele origin: germline.
Comment: The SNAP25 c.296A>T variant is predicted to result in the amino acid substitution p.Asp99Val. To our knowledge, this variant has not been reported in the literature. This variant is reported in 0.0040% of alleles in individuals of African descent in gnomAD. At this time, the clinical significance of this variant is uncertain due to the absence of conclusive functional and genetic evidence.

NM_130811.4(SNAP25):c.296A>T (p.Asp99Val)

Gene: SNAP25 (synaptosome associated protein 25; plus strand). Cytogenetic location: 20p12.2.
Variant type: single nucleotide variant.
Coding change: c.296A>T on transcript NM_130811.4 (MANE Select); coding-DNA position 296, A replaced by T.
Protein change: p.Asp99Val; replaces aspartic acid 99 with valine.
Molecular consequence: missense variant.
Genome position (GRCh38, 1-based): chr20:10,296,939, A>T. VCF-style: chr20-10296939-A-T. GRCh37 (hg19) VCF-style: chr20-10277587-A-T.
Other names: c.296A>T (NM_130811.3, NM_003081.3); c.296A>T, p.Asp99Val (NM_001322902.2, NM_001322903.2, NM_001322904.2 and 7 more transcripts); short protein forms D99V.
Identifiers: ClinVar variation 1394489 (VCV001394489.9), dbSNP rs745741842, ClinGen allele CA9763358.